The following is an entry in ClinVar:

NM_001388492.1(HTT):c.54GCA[29] (p.Gln38_Pro39insGlnGlnGlnGlnGlnGlnGlnGlnGlnGln)

Genes: HTT (huntingtin; plus strand), LOC129929027 (ATAC-STARR-seq lymphoblastoid silent region 15199; plus strand), LOC109461479 (huntingtin repeat instability region; plus strand). Cytogenetic location: 4p16.3.
Variant type: Microsatellite.
Coding change: c.54GCA[29] on transcript NM_001388492.1 (MANE Select); 29 copies in a row of the 3-base unit GCA starting at c.54.
Protein change: p.Gln38_Pro39insGlnGlnGlnGlnGlnGlnGlnGlnGlnGln.
Genome position: GRCh38 VCF-style: chr4-3074876-C-CCAGCAGCAGCAGCAGCAGCAGCAG. GRCh37 (hg19) VCF-style: chr4-3076603-C-CCAGCAGCAGCAGCAGCAGCAGCAG.
Other names: c.54GCA[29], p.Gln40_Pro41insGlnGlnGlnGlnGlnGlnGlnGln (NM_002111.8); c.99_116dup (NM_002111.8).
Identifiers: ClinVar variation 3779750 (VCV003779750.4).

ClinVar aggregate classification (germline): Conflicting classifications of pathogenicity. Review status: criteria provided, conflicting classifications (1 of 4 stars). 4 submissions from 4 submitters: Uncertain significance (2); Benign (1); Likely benign (1). Last evaluated 2026-09-23.

Conditions:
Huntington disease (HD). Also called: Huntington's chorea; Huntington's disease; HUNTINGTON CHOREA. Identifiers: Orphanet 248111, Orphanet 399, MedGen C0020179, MONDO:0007739, OMIM 143100.

Submissions (4):

Department Of Human Genetics, Institute Of Clinical And Translational Research, Biomedical Research Center, Slovak Academy Of Sciences
Classification: Uncertain significance for Huntington disease. Last evaluated: 2026-09-23. Review status: criteria provided, single submitter. Criteria: ACMG Guidelines for Huntington disease, 2014. Collection method: research. Allele origin: germline. Inheritance: Autosomal dominant inheritance.
Comment: The NC_000004.12.g.3074878_3074940AGC[27]AAC[1]AGC[1] allele represents a complex trinucleotide repeat sequence in the HTT (huntingtin) gene. The repeat tract consists of 27 consecutive AGC repeats, followed by one AAC repeat and one additional AGC repeat. This sequence corresponds to 27 uninterrupted glutamine-encoding units or 29 interrupted glutamine-encoding repeat units (this count the AAC interruption and the additional AGC to the total number of repeats on the DNA level, while all resulting in glutamine residues at the protein level). Huntington disease (HD) is an autosomal dominant neurodegenerative disorder caused by an expansion of the CAG trinucleotide repeat in exon 1 of the HTT gene. HTT alleles containing 26 or fewer CAG repeats are considered within the normal range, whereas alleles containing 27–35 repeats are classified as intermediate/premutation, 36-39 repeats as reduced-penetrance pathogenic alleles, and 40 or more repeats as full-penetrance pathogenic alleles. Based on both the 27 uninterrupted repeats and the 29 total repeats including interruptions, this allele is classified as intermediate/premutation. At the time of submission, however, ClinVar does not support such classification. Therefore we classify the allele as VUS, since it is not connected to symptoms directly, but it is clinically relevant due to the anticipated genetic instability. The allele reached 0.16% frequency in the general population of Slovakia (in 609 genotyped alleles).

Laboratory of Genetics, Children's Clinical University Hospital Latvia
Classification: Benign. Last evaluated: 2025-02-16. Review status: criteria provided, single submitter. Criteria: ACMG Guidelines, 2015. Collection method: clinical testing. Allele origin: germline. Affected: yes.

Blueprint Genetics
Classification: Likely benign. Last evaluated: 2024-11-25. Review status: criteria provided, single submitter. Criteria: ACMG Guidelines, 2015. Collection method: clinical testing. Allele origin: germline.

Department of Pathology and Laboratory Medicine, Sinai Health System
Classification: Uncertain significance for Huntington disease. Last evaluated: 2023-01-22. Review status: criteria provided, single submitter. Criteria: ACMG Guidelines, 2015. Collection method: research. Allele origin: germline.